The following is an entry in ClinVar:

NM_002187.3(IL12B):c.116C>T (p.Pro39Leu)

Gene: IL12B (interleukin 12B; minus strand). Cytogenetic location: 5q33.3.
Variant type: single nucleotide variant.
Coding change: c.116C>T on transcript NM_002187.3 (MANE Select); coding-DNA position 116, C replaced by T.
Protein change: p.Pro39Leu; replaces proline 39 with leucine.
Molecular consequence: missense variant.
Genome position (GRCh38, 1-based): chr5:159,323,302, G>A on the plus strand (C>T on the coding strand, the complement: IL12B is on the minus strand). VCF-style: chr5-159323302-G-A. GRCh37 (hg19) VCF-style: chr5-158750310-G-A.
Other names: short protein forms P39L.
Identifiers: ClinVar variation 1507501 (VCV001507501.7), dbSNP rs757751382, ClinGen allele CA3538878.

ClinVar aggregate classification (germline): Uncertain significance (1 of 4 stars; one submission).

Conditions:
Mendelian susceptibility to mycobacterial diseases due to complete IL12B deficiency. Also called: Immunodeficiency 29; IL12B DEFICIENCY. Identifiers: Orphanet 319558, MedGen C4013948, MONDO:0013954, OMIM 614890.

Allele frequency attached by ClinVar (database versions not stated): ExAC 0.00001; gnomAD exomes 0.00002 and 0.00003; TOPMed 0.00002; gnomAD 0.00003.
gnomAD v4.1: 44 of 1,613,902 alleles (0.0027%); highest among the groups gnomAD compares: Middle Eastern, 0.049%; 1 homozygote.

Submission:

Labcorp Genetics (formerly Invitae), Labcorp
Classification: Uncertain significance for Mendelian susceptibility to mycobacterial diseases due to complete IL12B deficiency. Last evaluated: 2024-04-11. Review status: criteria provided, single submitter. Criteria: Invitae Variant Classification Sherloc (09022015). Collection method: clinical testing. Allele origin: germline.
Comment: This sequence change replaces proline, which is neutral and non-polar, with leucine, which is neutral and non-polar, at codon 39 of the IL12B protein (p.Pro39Leu). This variant is present in population databases (rs757751382, gnomAD 0.003%). This variant has not been reported in the literature in individuals affected with IL12B-related conditions. ClinVar contains an entry for this variant (Variation ID: 1507501). Algorithms developed to predict the effect of missense changes on protein structure and function output the following: SIFT: "Not Available"; PolyPhen-2: "Benign"; Align-GVGD: "Not Available". The leucine amino acid residue is found in multiple mammalian species, which suggests that this missense change does not adversely affect protein function. In summary, the available evidence is currently insufficient to determine the role of this variant in disease. Therefore, it has been classified as a Variant of Uncertain Significance.